The following is an entry in ClinVar:

ClinVar aggregate classification (germline): Uncertain significance (1 of 4 stars; one submission).

Submission:

Greenwood Genetic Center Diagnostic Laboratories, Greenwood Genetic Center
Classification: Uncertain significance. Last evaluated: 2022-06-20. Review status: criteria provided, single submitter. Criteria: ACMG Guidelines, 2015. Collection method: clinical testing. Allele origin: germline. Affected: yes.
Comment: PM2, PM4

NM_016284.5(CNOT1):c.1972_1974del (p.Cys658del)

Gene: CNOT1 (CCR4-NOT transcription complex subunit 1; minus strand). Cytogenetic location: 16q21.
Variant type: Deletion.
Coding change: c.1972_1974del on transcript NM_016284.5 (MANE Select); coding-DNA positions 1972 to 1974, 3 bases deleted (TGT; older notation c.1972_1974delTGT).
Protein change: p.Cys658del; deletes cysteine 658.
Molecular consequence: inframe deletion. On other transcripts: non-coding transcript variant (1).
Genome position (GRCh38, 1-based): chr16:58,574,614-58,574,616, ACA deleted on the plus strand (TGT on the coding strand, the reverse complement: CNOT1 is on the minus strand); deleting any 3 consecutive bases within chr16:58,574,614-58,574,617 gives the same sequence; the c. name uses the placement nearest the transcript's 3' end. VCF-style (leftmost placement, unchanged base first): chr16-58574613-CACA-C. GRCh37 (hg19) VCF-style: chr16-58608517-CACA-C.
Other names: c.1972_1974del, p.Cys658del (NM_001265612.2, NM_206999.3); short protein forms C658del.
Identifiers: ClinVar variation 1703126 (VCV001703126.3), dbSNP rs2544049643, ClinGen allele CA2580091812.